The following is an entry in ClinVar:

ClinVar aggregate classification (germline): Conflicting classifications of pathogenicity. Review status: criteria provided, conflicting classifications (1 of 4 stars). 7 submissions from 7 submitters: Uncertain significance (5); Likely benign (2). Last evaluated 2026-01-16.

Conditions:
Thyrotoxic periodic paralysis, susceptibility to, 1 (TTPP1). Identifiers: Orphanet 79102, MedGen C2749982, MONDO:0008570, OMIM 188580.
Hypokalemic periodic paralysis, type 1. Also called: HypoPP; Hypokalemic Periodic Paralysis Type 1 (AD). Identifiers: Orphanet 681, MedGen C3714580, MONDO:0042979, OMIM 170400.
Malignant hyperthermia, susceptibility to, 5 (MHS5). Also called: CACNA1S-Related Malignant Hyperthermia Susceptibility. Identifiers: Orphanet 423, MedGen C1866077, MONDO:0011163, OMIM 601887.
Congenital myopathy 18. Also called: Myopathy, congenital, due to dihydropyridine receptor defect; DIHYDROPYRIDINE RECEPTOR CONGENITAL MYOPATHY; DHPR CONGENITAL MYOPATHY. Identifiers: MedGen C5830283, MONDO:0859514, OMIM 620246.
Inborn genetic diseases. Identifiers: MedGen C0950123, MeSH D030342.

Allele frequency attached by ClinVar (database versions not stated): TOPMed 0.00006; ESP Exome Variant Server 0.00008.
gnomAD v4.1: 81 of 1,614,016 alleles (0.005%); highest among the groups gnomAD compares: Admixed American, 0.017%; no homozygotes.

Submissions (7):

Labcorp Genetics (formerly Invitae), Labcorp
Classification: Likely benign for Hypokalemic periodic paralysis, type 1; Malignant hyperthermia, susceptibility to, 5. Last evaluated: 2026-01-16. Review status: criteria provided, single submitter. Criteria: Invitae Variant Classification Sherloc (09022015). Collection method: clinical testing. Allele origin: germline.

Ambry Genetics
Classification: Uncertain significance for Inborn genetic diseases. Last evaluated: 2025-08-21. Review status: criteria provided, single submitter. Criteria: Ambry Variant Classification Scheme 2023. Collection method: clinical testing. Allele origin: germline.

GeneDx
Classification: Uncertain significance. Last evaluated: 2025-07-17. Review status: criteria provided, single submitter. Criteria: GeneDx Variant Classification Process June 2021. Collection method: clinical testing. Allele origin: germline. Affected: yes.
Comment: In silico analysis suggests that this missense variant does not alter protein structure/function; Has not been previously published as pathogenic or benign to our knowledge

All of Us Research Program, National Institutes of Health
Classification: Uncertain significance for Malignant hyperthermia, susceptibility to, 5. Last evaluated: 2024-09-23. Review status: criteria provided, single submitter. Criteria: ACMG Guidelines, 2015. Collection method: clinical testing. Allele origin: germline. Inheritance: Autosomal dominant inheritance. Observed: 35 variant alleles, 35 heterozygotes.
Comment: This missense variant replaces arginine with proline at codon 1702 of the CACNA1S protein. Computational prediction suggests that this variant may not impact protein structure and function (internally defined REVEL score threshold <= 0.5, PMID: 27666373). To our knowledge, functional studies have not been reported for this variant. This variant has not been reported in individuals affected with CACNA1S-related disorders in the literature. This variant has been identified in 18/282602 chromosomes in the general population by the Genome Aggregation Database (gnomAD). The available evidence is insufficient to determine the role of this variant in disease conclusively. Therefore, this variant is classified as a Variant of Uncertain Significance.

This study involves interpretation of variants in research participants for the purpose of population health screening. Participant phenotype was not available at the time of variant classification. Additional details can be found in publication PMID: 35346344, PMCID: PMC8962531

Color Diagnostics, LLC DBA Color Health
Classification: Uncertain significance for Malignant hyperthermia, susceptibility to, 5. Last evaluated: 2024-05-06. Review status: criteria provided, single submitter. Criteria: ACMG Guidelines, 2015. Collection method: clinical testing. Allele origin: germline.
Comment: This missense variant replaces arginine with proline at codon 1702 of the CACNA1S protein. Computational prediction suggests that this variant may not impact protein structure and function. To our knowledge, functional studies have not been reported for this variant. This variant has not been reported in individuals affected with CACNA1S-related disorders in the literature. This variant has been identified in 18/282602 chromosomes in the general population by the Genome Aggregation Database (gnomAD). The available evidence is insufficient to determine the role of this variant in disease conclusively. Therefore, this variant is classified as a Variant of Uncertain Significance.

Blueprint Genetics
Classification: Likely benign. Last evaluated: 2024-04-25. Review status: criteria provided, single submitter. Criteria: ACMG Guidelines, 2015. Collection method: clinical testing. Allele origin: germline.

Fulgent Genetics
Classification: Uncertain significance for Hypokalemic periodic paralysis, type 1; Thyrotoxic periodic paralysis, susceptibility to, 1; Malignant hyperthermia, susceptibility to, 5; Congenital myopathy 18. Last evaluated: 2023-12-27. Review status: criteria provided, single submitter. Criteria: ACMG Guidelines, 2015. Collection method: clinical testing. Allele origin: germline.

NM_000069.3(CACNA1S):c.5105G>C (p.Arg1702Pro)

Gene: CACNA1S (calcium voltage-gated channel subunit alpha1 S; minus strand). Cytogenetic location: 1q32.1.
Variant type: single nucleotide variant.
Coding change: c.5105G>C on transcript NM_000069.3 (MANE Select); coding-DNA position 5105, G replaced by C.
Protein change: p.Arg1702Pro; replaces arginine 1702 with proline.
Molecular consequence: missense variant.
Genome position (GRCh38, 1-based): chr1:201,041,533, C>G on the plus strand (G>C on the coding strand, the complement: CACNA1S is on the minus strand). VCF-style: chr1-201041533-C-G. GRCh37 (hg19) VCF-style: chr1-201010661-C-G.
Other names: short protein forms R1702P.
Identifiers: ClinVar variation 647313 (VCV000647313.19), dbSNP rs201310235, ClinGen allele CA083724.